The following is an entry in ClinVar:

NM_001287.6(CLCN7):c.1094C>T (p.Ser365Leu)

Gene: CLCN7 (chloride voltage-gated channel 7; minus strand). Cytogenetic location: 16p13.3.
Variant type: single nucleotide variant.
Coding change: c.1094C>T on transcript NM_001287.6 (MANE Select); coding-DNA position 1094, C replaced by T.
Protein change: p.Ser365Leu; replaces serine 365 with leucine.
Molecular consequence: missense variant.
Genome position (GRCh38, 1-based): chr16:1,455,138, G>A on the plus strand (C>T on the coding strand, the complement: CLCN7 is on the minus strand). VCF-style: chr16-1455138-G-A. GRCh37 (hg19) VCF-style: chr16-1505139-G-A.
Other names: c.1022C>T, p.Ser341Leu (NM_001114331.3); short protein forms S341L, S365L.
Identifiers: ClinVar variation 2881210 (VCV002881210.3), dbSNP rs765414475, ClinGen allele CA7810470.
Genomic context (GRCh38, chr16:1,455,138, plus strand): 5'-AACAGGGTCCTGGACCAGGATACGAGGTGGGCGAGGTGGGCGATGGGGCAGGTTACCTCC[G>A]AGTCAAACCTTCCGAAGTTGATGAGGCCTGGGCTGGACAGGTCCCACATGTTCCCGTGGT-3'
Protein context (NP_001278.1, residues 355-375): PGLINFGRFD[Ser365Leu]EKMAYTIHEI

ClinVar aggregate classification (germline): Uncertain significance (1 of 4 stars; one submission).

Allele frequency attached by ClinVar (database versions not stated): ExAC 0.00001; gnomAD exomes 0.00001.
gnomAD v4.1: 9 of 1,595,052 alleles (0.00056%); highest among the groups gnomAD compares: South Asian, 0.0011%; no homozygotes.

Submission:

Labcorp Genetics (formerly Invitae), Labcorp
Classification: Uncertain significance. Last evaluated: 2023-04-30. Review status: criteria provided, single submitter. Criteria: Invitae Variant Classification Sherloc (09022015). Collection method: clinical testing. Allele origin: germline.
Comment: This sequence change replaces serine, which is neutral and polar, with leucine, which is neutral and non-polar, at codon 365 of the CLCN7 protein (p.Ser365Leu). This variant is present in population databases (rs765414475, gnomAD 0.006%). This variant has not been reported in the literature in individuals affected with CLCN7-related conditions. Advanced modeling of protein sequence and biophysical properties (such as structural, functional, and spatial information, amino acid conservation, physicochemical variation, residue mobility, and thermodynamic stability) performed at Invitae indicates that this missense variant is not expected to disrupt CLCN7 protein function. In summary, the available evidence is currently insufficient to determine the role of this variant in disease. Therefore, it has been classified as a Variant of Uncertain Significance.